The following is an entry in ClinVar:

NM_000059.4(BRCA2):c.3440A>T (p.Asn1147Ile)

Gene: BRCA2 (BRCA2 DNA repair associated; plus strand). Cytogenetic location: 13q13.1.
Variant type: single nucleotide variant.
Coding change: c.3440A>T on transcript NM_000059.4 (MANE Select); coding-DNA position 3440, A replaced by T.
Protein change: p.Asn1147Ile; replaces asparagine 1147 with isoleucine.
Molecular consequence: missense variant.
Genome position (GRCh38, 1-based): chr13:32,337,795, A>T. VCF-style: chr13-32337795-A-T. GRCh37 (hg19) VCF-style: chr13-32911932-A-T.
Other names: c.3440A>T, p.Asn1147Ile (NM_001406719.1, NM_001406720.1); short protein forms N1147I.
Identifiers: ClinVar variation 2131666 (VCV002131666.6), dbSNP rs1799951, ClinGen allele CA387776620.
Genomic context (GRCh38, chr13:32,337,795, plus strand): 5'-TTACTCAGTTTAGAAAACCAAGCTACATATTGCAGAAGAGTACATTTGAAGTGCCTGAAA[A>T]CCAGATGACTATCTTAAAGACCACTTCTGAGGAATGCAGAGATGCTGATCTTCATGTCAT-3'
Protein context (NP_000050.3, residues 1137-1157): LQKSTFEVPE[Asn1147Ile]QMTILKTTSE

ClinVar aggregate classification (germline): Conflicting classifications of pathogenicity. Review status: criteria provided, conflicting classifications (1 of 4 stars). 2 submissions from 2 submitters: Uncertain significance (1); Likely benign (1). Last evaluated 2023-03-23.

Conditions:
Hereditary cancer-predisposing syndrome. Also called: Hereditary neoplastic syndrome; Hereditary Cancer Syndrome; Tumor predisposition; Neoplastic Syndromes, Hereditary. Identifiers: Orphanet 140162, MedGen C0027672, MeSH D009386, MONDO:0015356.
Hereditary breast ovarian cancer syndrome. Also called: Hereditary breast and ovarian cancer; Hereditary breast and/or ovarian cancer syndrome; Hereditary breast and ovarian cancer syndrome (HBOC); Breast and ovarian cancer; Hereditary breast and ovarian cancer syndrome; BRCA1- and BRCA2-Associated Hereditary Breast and Ovarian Cancer. Identifiers: Orphanet 145, MedGen C0677776, MeSH D061325, MONDO:0003582. Disease mechanism: loss of function.

Submissions (2):

University of Washington Department of Laboratory Medicine, University of Washington
Classification: Likely benign for Hereditary cancer-predisposing syndrome. Last evaluated: 2023-03-23. Review status: criteria provided, single submitter. Criteria: Dines et al. (Genet Med. 2020). Collection method: curation. Allele origin: germline.
Comment: Missense variant in a coldspot region where missense variants are very unlikely to be pathogenic (PMID:31911673).

BRCA2 exon 11 coldspot. Reclassification based on statistical prior probability.

Labcorp Genetics (formerly Invitae), Labcorp
Classification: Uncertain significance for Hereditary breast ovarian cancer syndrome. Last evaluated: 2022-04-29. Review status: criteria provided, single submitter. Criteria: Invitae Variant Classification Sherloc (09022015). Collection method: clinical testing. Allele origin: germline.
Comment: Advanced modeling of protein sequence and biophysical properties (such as structural, functional, and spatial information, amino acid conservation, physicochemical variation, residue mobility, and thermodynamic stability) performed at Invitae indicates that this missense variant is not expected to disrupt BRCA2 protein function. This variant has not been reported in the literature in individuals affected with BRCA2-related conditions. This variant is not present in population databases (gnomAD no frequency). This sequence change replaces asparagine, which is neutral and polar, with isoleucine, which is neutral and non-polar, at codon 1147 of the BRCA2 protein (p.Asn1147Ile). In summary, the available evidence is currently insufficient to determine the role of this variant in disease. Therefore, it has been classified as a Variant of Uncertain Significance.